The following is an entry in ClinVar:

ClinVar aggregate classification (germline): Benign. Review status: criteria provided, multiple submitters, no conflicts (2 of 4 stars). 7 submissions from 7 submitters: Benign (4). 3 of the submissions do not count toward it. Last evaluated 2026-02-01.

Allele frequency attached by ClinVar (database versions not stated): 1000 Genomes Project 0.00300; 1000 Genomes Project 30x 0.00375; TOPMed 0.00731; ESP Exome Variant Server 0.01014.
gnomAD v4.1: 15,965 of 1,612,544 alleles (0.99%); highest among the groups gnomAD compares: Non-Finnish European, 1.1%; 93 homozygotes.

Submissions (7):

Labcorp Genetics (formerly Invitae), Labcorp
Classification: Benign. Last evaluated: 2026-02-01. Review status: criteria provided, single submitter. Criteria: Invitae Variant Classification Sherloc (09022015). Collection method: clinical testing. Allele origin: germline.

Women's Health and Genetics/Laboratory Corporation of America, LabCorp
Classification: Benign. Last evaluated: 2017-07-06. Review status: criteria provided, single submitter. Criteria: LabCorp Variant Classification Summary - May 2015. Collection method: clinical testing. Allele origin: germline.
Comment: Variant summary: The A2ML1 c.861C>A (p.Asp287Glu) variant involves the alteration of a non-conserved nucleotide. 2/3 in silico tools predict a benign outcome for this variant (SNPsandGO not captured due to low reliability index). This variant was found in 898/120478 control chromosomes (5 homozygotes) from ExAC, predominantly observed in the European (Non-Finnish) subpopulation at a frequency of 0.011976 (798/66632). This frequency is about 2994 times the estimated maximal expected allele frequency of a pathogenic A2ML1 variant (0.000004), suggesting this is likely a benign polymorphism found primarily in the populations of European (Non-Finnish) origin. In addition, multiple clinical diagnostic laboratories have classified this variant as benign. Taken together, this variant is classified as benign.

GeneDx
Classification: Benign. Last evaluated: 2016-09-29. Review status: criteria provided, single submitter. Criteria: GeneDx Variant Classification (06012015). Collection method: clinical testing. Allele origin: germline. Affected: yes.
Comment: This variant is considered likely benign or benign based on one or more of the following criteria: it is a conservative change, it occurs at a poorly conserved position in the protein, it is predicted to be benign by multiple in silico algorithms, and/or has population frequency not consistent with disease.

Breakthrough Genomics
Classification: Benign. Review status: criteria provided, single submitter. Criteria: ACMG Guidelines, 2015. Collection method: not provided. Allele origin: germline. Inheritance: Autosomal dominant inheritance. Affected: yes.

Clinical Genetics, Academic Medical Center
Classification: Benign. Review status: no assertion criteria provided. Collection method: clinical testing. Allele origin: germline. Affected: yes. Study: VKGL Data-share Consensus. Not counted in ClinVar's aggregate classification.

Institute of Molecular Pathology and Immunology of the University of Porto (IPATIMUP)
No classification provided. Review status: no classification provided. Collection method: not provided. Allele origin: germline. Not counted in ClinVar's aggregate classification.

Joint Genome Diagnostic Labs from Nijmegen and Maastricht, Radboudumc and MUMC+
Classification: Benign. Review status: no assertion criteria provided. Collection method: clinical testing. Allele origin: germline. Affected: yes. Study: VKGL Data-share Consensus. Not counted in ClinVar's aggregate classification.

Literature cited by the submitters: PubMed 24896146 (cited by Women's Health and Genetics/Laboratory Corporation of America, LabCorp).

NM_144670.6(A2ML1):c.861C>A (p.Asp287Glu)

Gene: A2ML1 (alpha-2-macroglobulin like 1; plus strand). Cytogenetic location: 12p13.31.
Variant type: single nucleotide variant.
Coding change: c.861C>A on transcript NM_144670.6 (MANE Select); coding-DNA position 861, C replaced by A.
Protein change: p.Asp287Glu; replaces aspartic acid 287 with glutamic acid.
Molecular consequence: missense variant.
Genome position (GRCh38, 1-based): chr12:8,838,341, C>A. VCF-style: chr12-8838341-C-A. GRCh37 (hg19) VCF-style: chr12-8990937-C-A.
Other names: short protein forms D287E.
Identifiers: ClinVar variation 120256 (VCV000120256.16), dbSNP rs61921916, ClinGen allele CA230648.